The following is an entry in ClinVar:

NM_001009944.3(PKD1):c.359T>C (p.Ile120Thr)

Gene: PKD1 (polycystin 1, transient receptor potential channel interacting; minus strand). Cytogenetic location: 16p13.3.
Variant type: single nucleotide variant.
Coding change: c.359T>C on transcript NM_001009944.3 (MANE Select); coding-DNA position 359, T replaced by C.
Protein change: p.Ile120Thr; replaces isoleucine 120 with threonine.
Molecular consequence: missense variant.
Genome position (GRCh38, 1-based): chr16:2,119,114, A>G on the plus strand (T>C on the coding strand, the complement: PKD1 is on the minus strand). VCF-style: chr16-2119114-A-G. GRCh37 (hg19) VCF-style: chr16-2169115-A-G.
Other names: c.359T>C, p.Ile120Thr (NM_000296.4); short protein forms I120T.
Identifiers: ClinVar variation 523386 (VCV000523386.12), dbSNP rs1555459345, ClinGen allele CA394395810.

ClinVar aggregate classification (germline): Conflicting classifications of pathogenicity. Review status: criteria provided, conflicting classifications (1 of 4 stars). 8 submissions from 8 submitters: Likely pathogenic (5); Uncertain significance (3). Last evaluated 2026-08-05.

Conditions:
PKD1-related disorder. Also called: PKD1-related condition.
Polycystic kidney disease, adult type (PKD1). Also called: Polycystic Kidney Disease 1, Autosomal Dominant; Polycystic kidney disease 1; Polycystic kidney disease 1, severe; POLYCYSTIC KIDNEY DISEASE, ADULT, TYPE I; Polycystic Kidney, Autosomal Dominant; POLYCYSTIC KIDNEY DISEASE 1 WITH OR WITHOUT POLYCYSTIC LIVER DISEASE. Identifiers: MedGen C3149841, MONDO:0008263, OMIM 173900.
Polycystic kidney disease. Also called: Polycystic kidney dysplasia; Kidney, Polycystic. Identifiers: MedGen C0022680, MeSH D007690, MONDO:0020642, HP:0000113.
Enlarged kidney. Identifiers: MedGen C0542518, HP:0000105.
Hemangioma. Identifiers: MedGen C0018916, MONDO:0006500, HP:0001028.

Submissions (8):

PreventionGenetics, part of Exact Sciences
Classification: Likely pathogenic for PKD1-related condition. Last evaluated: 2026-08-05. Review status: criteria provided, single submitter. Criteria: ACMG Guidelines, 2015. Collection method: clinical testing. Allele origin: germline.
Comment: The PKD1 c.359T>C variant is predicted to result in the amino acid substitution p.Ile120Thr. This variant has been reported in four unrelated individuals with autosomal dominant polycystic kidney disease (Neumann et al. 2012. PubMed ID: 22367170; Supplemental table 1, Cornec-Le Gall et al. 2013. PubMed ID: 23431072; Supplemental table S6C, Kim et al. 2019. PubMed ID: 31740684; Supplemental table 2, Heyer et al. 2016. PubMed ID: 26823553). This variant has not been reported in a large population database (gnomAD), indicating this variant is rare. Taken together, this variant is interpreted as likely pathogenic.

Victorian Clinical Genetics Services, Murdoch Childrens Research Institute
Classification: Likely pathogenic for Polycystic kidney disease, adult type. Last evaluated: 2025-08-29. Review status: criteria provided, single submitter. Criteria: ACMG Guidelines, 2015. Collection method: clinical testing. Allele origin: germline. Affected: yes.
Comment: This variant is classified as Likely pathogenic. Evidence in support of pathogenic classification: Variant is present in gnomAD <0.001 for a dominant condition (v4: 1 heterozygote(s), 0 homozygote(s)); This variant has moderate previous evidence of pathogenicity in unrelated individuals. This variant has been classified as likely pathogenic/VUS by clinical laboratories in ClinVar, and reported in the literature in individuals with polycystic kidney disease (PMIDs: 22508176, 31740684, 22367170, 26823553). Additional information: Variant is predicted to result in a missense amino acid change from isoleucine to threonine; This variant is heterozygous; This gene is associated with autosomal dominant disease. Polycystic kidney disease 1 (MIM#173900) is predominantly caused by monoallelic variants, with rare reports of biallelic variants causing disease (OMIM); No published segregation evidence has been identified for this variant; No published functional evidence has been identified for this variant; No comparable missense variants have previous evidence for pathogenicity; Variant is located in the annotated leucine rich repeat domain (DECIPHER); Missense variant with inconclusive in silico prediction and uninformative conservation; Loss of function is a known mechanism of disease in this gene and is associated with polycystic kidney disease 1 (MIM#173900); Inheritance information for this variant is not currently available in this individual.

Women's Health and Genetics/Laboratory Corporation of America, LabCorp
Classification: Uncertain significance. Last evaluated: 2025-03-17. Review status: criteria provided, single submitter. Criteria: LabCorp Variant Classification Summary - May 2015. Collection method: clinical testing. Allele origin: germline.
Comment: Variant summary: PKD1 c.359T>C (p.Ile120Thr) results in a non-conservative amino acid change in the encoded protein sequence. Three of five in-silico tools predict a damaging effect of the variant on protein function. Consensus agreement among computation tools predict no significant impact on normal splicing. However, these predictions have yet to be confirmed by functional studies. The variant was absent in 149554 control chromosomes. c.359T>C has been reported in the literature in individuals affected with Polycystic Kidney Disease 1 and in at least one family it was reported to segregate with disease in two affected family members (e.g. Neumann_2012, Cornec-Le Gall_2013, Heyer_2016, Kim_2019). These data indicate that the variant may be associated with disease. To our knowledge, no experimental evidence demonstrating an impact on protein function has been reported. The following publications have been ascertained in the context of this evaluation (PMID: 23431072, 26823553, 31740684, 22367170). ClinVar contains an entry for this variant (Variation ID: 523386). Based on the evidence outlined above, the variant was classified as VUS-possibly pathogenic.

Fulgent Genetics
Classification: Likely pathogenic for Polycystic kidney disease, adult type. Last evaluated: 2024-06-19. Review status: criteria provided, single submitter. Criteria: ACMG Guidelines, 2015. Collection method: clinical testing. Allele origin: germline.

GeneDx
Classification: Uncertain significance. Last evaluated: 2022-10-04. Review status: criteria provided, single submitter. Criteria: GeneDx Variant Classification Process June 2021. Collection method: clinical testing. Allele origin: germline. Affected: yes.
Comment: Not observed at significant frequency in large population cohorts (gnomAD); In silico analysis supports that this missense variant does not alter protein structure/function; This variant is associated with the following publications: (PMID: 22508176, 23431072, 31740684, 22367170)

Blueprint Genetics
Classification: Likely pathogenic for PKD1-related disorders. Last evaluated: 2021-03-12. Review status: criteria provided, single submitter. Criteria: ACMG Guidelines, 2015. Collection method: clinical testing. Allele origin: germline. Affected: yes. Observed: 2 variant alleles.

Centre for Mendelian Genomics, University Medical Centre Ljubljana
Classification: Likely pathogenic for Enlarged kidney; Hemangioma; Polycystic kidney disease. Last evaluated: 2017-01-01. Review status: criteria provided, single submitter. Criteria: ACMG Guidelines, 2015. Collection method: clinical testing. Allele origin: unknown. Affected: yes.

Juno Genomics, Hangzhou Juno Genomics, Inc
Classification: Uncertain significance for Polycystic kidney disease, adult type. Review status: criteria provided, single submitter. Criteria: ACMG Guidelines, 2015. Collection method: clinical testing. Allele origin: germline. Affected: yes.
Comment: The prevalence of the variant in affected individuals is significantly increased compared to the prevalence in controls.;Absent from controls (or at extremely low frequency if recessive) in Genome Aggregation Database, Exome Sequencing Project, 1000 Genomes Project, or Exome Aggregation Consortium.;Patient's phenotype or family history is highly specific for a disease with a single genetic etiology.

Literature cited by the submitters: PubMed 22367170 (cited by Victorian Clinical Genetics Services, Murdoch Childrens Research Institute and Women's Health and Genetics/Laboratory Corporation of America, LabCorp); PubMed 31740684 (cited by Victorian Clinical Genetics Services, Murdoch Childrens Research Institute and Women's Health and Genetics/Laboratory Corporation of America, LabCorp); PubMed 22508176 (cited by Victorian Clinical Genetics Services, Murdoch Childrens Research Institute); PubMed 26823553 (cited by Victorian Clinical Genetics Services, Murdoch Childrens Research Institute and Women's Health and Genetics/Laboratory Corporation of America, LabCorp); PubMed 23431072 (cited by Women's Health and Genetics/Laboratory Corporation of America, LabCorp).